The following is an entry in ClinVar:

ClinVar aggregate classification (germline): Uncertain significance (1 of 4 stars; one submission).

Allele frequency attached by ClinVar (database versions not stated): gnomAD exomes 0.00007; ExAC 0.00008; TOPMed 0.00011; gnomAD 0.00016.
gnomAD v4.1: 157 of 1,613,902 alleles (0.0097%); highest among the groups gnomAD compares: Middle Eastern, 0.016%; no homozygotes.

Submission:

Labcorp Genetics (formerly Invitae), Labcorp
Classification: Uncertain significance. Last evaluated: 2022-01-20. Review status: criteria provided, single submitter. Criteria: Invitae Variant Classification Sherloc (09022015). Collection method: clinical testing. Allele origin: germline.
Comment: This sequence change replaces arginine, which is basic and polar, with glutamine, which is neutral and polar, at codon 94 of the SLCO2A1 protein (p.Arg94Gln). This variant is present in population databases (rs201133072, gnomAD 0.02%). This variant has not been reported in the literature in individuals affected with SLCO2A1-related conditions. Algorithms developed to predict the effect of missense changes on protein structure and function (SIFT, PolyPhen-2, Align-GVGD) all suggest that this variant is likely to be tolerated. In summary, the available evidence is currently insufficient to determine the role of this variant in disease. Therefore, it has been classified as a Variant of Uncertain Significance.

NM_005630.3(SLCO2A1):c.281G>A (p.Arg94Gln)

Gene: SLCO2A1 (solute carrier organic anion transporter family member 2A1; minus strand). Cytogenetic location: 3q22.1.
Variant type: single nucleotide variant.
Coding change: c.281G>A on transcript NM_005630.3 (MANE Select); coding-DNA position 281, G replaced by A.
Protein change: p.Arg94Gln; replaces arginine 94 with glutamine.
Molecular consequence: missense variant.
Genome position (GRCh38, 1-based): chr3:133,973,779, C>T on the plus strand (G>A on the coding strand, the complement: SLCO2A1 is on the minus strand). VCF-style: chr3-133973779-C-T. GRCh37 (hg19) VCF-style: chr3-133692623-C-T.
Other names: short protein forms R94Q.
Identifiers: ClinVar variation 1504802 (VCV001504802.3), dbSNP rs201133072, ClinGen allele CA2626877.